The following is an entry in ClinVar:

NM_030624.3(KLHL15):c.1693C>A (p.Pro565Thr)

Gene: KLHL15 (kelch like family member 15; minus strand). Cytogenetic location: Xp22.11.
Variant type: single nucleotide variant.
Coding change: c.1693C>A on transcript NM_030624.3 (MANE Select); coding-DNA position 1693, C replaced by A.
Protein change: p.Pro565Thr; replaces proline 565 with threonine.
Molecular consequence: missense variant.
Genome position (GRCh38, 1-based): chrX:23,988,043, G>T on the plus strand (C>A on the coding strand, the complement: KLHL15 is on the minus strand). VCF-style: chrX-23988043-G-T. GRCh37 (hg19) VCF-style: chrX-24006160-G-T.
Other names: short protein forms P565T.
Identifiers: ClinVar variation 2660175 (VCV002660175.24), dbSNP rs201695883, ClinGen allele CA10370473.

ClinVar aggregate classification (germline): Likely benign (1 of 4 stars; one submission).

Allele frequency attached by ClinVar (database versions not stated): gnomAD exomes 0.00001; ExAC 0.00008; ESP Exome Variant Server 0.00009.
gnomAD v4.1: 8 of 1,210,956 alleles (0.00066%); highest among the groups gnomAD compares: Non-Finnish European, 0.00089%; no homozygotes.

Submission:

CeGaT Center for Human Genetics Tuebingen
Classification: Likely benign. Last evaluated: 2022-07-01. Review status: criteria provided, single submitter. Criteria: CeGaT Center For Human Genetics Tuebingen Variant Classification Criteria Version 2. Collection method: clinical testing. Allele origin: germline. Affected: yes. Observed: 1 variant allele.
Comment: KLHL15: PP2, PP3, BS2